The following is an entry in ClinVar:

ClinVar aggregate classification (germline): Uncertain significance (1 of 4 stars; one submission).

Submission:

Dasa
Classification: Uncertain significance. Last evaluated: 2026-05-22. Review status: criteria provided, single submitter. Criteria: DASA Assertion Criteria. Collection method: clinical testing. Allele origin: germline.
Comment: NM_001060.6(TBXA2R):c.893C>G (p.Thr298Ser) is a missense variant that results in the substitution of threonine with serine. This variant is absent from population databases. The currently available literature and clinical evidence are not sufficient to establish a definitive association between this variant and the reported condition. Therefore, this variant is classified as a variant of uncertain significance.

NM_001060.6(TBXA2R):c.893C>G (p.Thr298Ser)

Gene: TBXA2R (thromboxane A2 receptor; minus strand). Cytogenetic location: 19p13.3.
Variant type: single nucleotide variant.
Coding change: c.893C>G on transcript NM_001060.6 (MANE Select); coding-DNA position 893, C replaced by G.
Protein change: p.Thr298Ser; replaces threonine 298 with serine.
Molecular consequence: missense variant.
Genome position (GRCh38, 1-based): chr19:3,595,827, G>C on the plus strand (C>G on the coding strand, the complement: TBXA2R is on the minus strand). VCF-style: chr19-3595827-G-C. GRCh37 (hg19) VCF-style: chr19-3595825-G-C.
Other names: c.893C>G, p.Thr298Ser (NM_201636.3); short protein forms T298S.
Identifiers: ClinVar variation 5020501 (VCV005020501.1).